The following is an entry in ClinVar:

NM_000059.4(BRCA2):c.9183A>G (p.Leu3061=)

Gene: BRCA2 (BRCA2 DNA repair associated; plus strand). Cytogenetic location: 13q13.1.
Variant type: single nucleotide variant.
Coding change: c.9183A>G on transcript NM_000059.4 (MANE Select); coding-DNA position 9183, A replaced by G.
Protein change: p.Leu3061=; no amino-acid change (leucine 3061 retained).
Molecular consequence: synonymous variant.
Genome position (GRCh38, 1-based): chr13:32,380,072, A>G. VCF-style: chr13-32380072-A-G. GRCh37 (hg19) VCF-style: chr13-32954209-A-G.
Identifiers: ClinVar variation 823072 (VCV000823072.5), dbSNP rs1593938053, ClinGen allele CA483262077.

ClinVar aggregate classification (germline): Likely benign. Review status: criteria provided, multiple submitters, no conflicts (2 of 4 stars). 2 submissions from 2 submitters: Likely benign (2). Last evaluated 2023-05-16.

Conditions:
Hereditary cancer-predisposing syndrome. Also called: Hereditary Cancer Syndrome; Neoplastic Syndromes, Hereditary; Hereditary neoplastic syndrome; Tumor predisposition. Identifiers: Orphanet 140162, MedGen C0027672, MeSH D009386, MONDO:0015356.
Breast-ovarian cancer, familial, susceptibility to, 2 (BROVCA2). Also called: BRCA2 Hereditary Breast and Ovarian Cancer. Identifiers: Orphanet 145, MedGen C2675520, MONDO:0012933, OMIM 612555. Disease mechanism: loss of function.

Submissions (2):

All of Us Research Program, National Institutes of Health
Classification: Likely benign for Breast-ovarian cancer, familial, susceptibility to, 2. Last evaluated: 2023-05-16. Review status: criteria provided, single submitter. Criteria: ACMG Guidelines, 2015. Collection method: clinical testing. Allele origin: germline. Inheritance: Autosomal dominant inheritance. Observed: 1 variant allele, 1 heterozygote.
Comment: This study involves interpretation of variants in research participants for the purpose of population health screening. Participant phenotype was not available at the time of variant classification. Additional details can be found in publication PMID: 35346344, PMCID: PMC8962531

Ambry Genetics
Classification: Likely benign for Hereditary cancer-predisposing syndrome. Last evaluated: 2019-02-07. Review status: criteria provided, single submitter. Criteria: Ambry Variant Classification Scheme 2023. Collection method: clinical testing. Allele origin: germline.